The following is an entry in ClinVar:

NM_004525.3(LRP2):c.10826A>G (p.Glu3609Gly)

Gene: LRP2 (LDL receptor related protein 2; minus strand). Cytogenetic location: 2q31.1.
Variant type: single nucleotide variant.
Coding change: c.10826A>G on transcript NM_004525.3 (MANE Select); coding-DNA position 10826, A replaced by G.
Protein change: p.Glu3609Gly; replaces glutamic acid 3609 with glycine.
Molecular consequence: missense variant.
Genome position (GRCh38, 1-based): chr2:169,174,107, T>C on the plus strand (A>G on the coding strand, the complement: LRP2 is on the minus strand). VCF-style: chr2-169174107-T-C. GRCh37 (hg19) VCF-style: chr2-170030617-T-C.
Other names: short protein forms E3609G.
Identifiers: ClinVar variation 3630985 (VCV003630985.2).
Genomic context (GRCh38, chr2:169,174,107, plus strand): 5'-TGGGAACTGTCTTCATCTGAGTTATCCTCACAGTCGTTAAATGTGTCACACTGCCAGGAT[T>C]CTGGGATGCAACGTTTGTTGGCGCACTGCCATTCATTGGAGTCACAGTGGTGATTCTCTG-3'
Protein context (NP_004516.2, residues 3599-3619): WQCANKRCIP[Glu3609Gly]SWQCDTFNDC

ClinVar aggregate classification (germline): Uncertain significance (1 of 4 stars; one submission).

gnomAD v4.1: 2 of 1,614,224 alleles (0.00012%); highest among the groups gnomAD compares: East Asian, 0.0022%; no homozygotes.

Submission:

Labcorp Genetics (formerly Invitae), Labcorp
Classification: Uncertain significance. Last evaluated: 2024-12-31. Review status: criteria provided, single submitter. Criteria: Invitae Variant Classification Sherloc (09022015). Collection method: clinical testing. Allele origin: germline.
Comment: This sequence change replaces glutamic acid, which is acidic and polar, with glycine, which is neutral and non-polar, at codon 3609 of the LRP2 protein (p.Glu3609Gly). This variant is present in population databases (no rsID available, gnomAD 0.006%). This variant has not been reported in the literature in individuals affected with LRP2-related conditions. An algorithm developed to predict the effect of missense changes on protein structure and function (PolyPhen-2) suggests that this variant is likely to be disruptive. In summary, the available evidence is currently insufficient to determine the role of this variant in disease. Therefore, it has been classified as a Variant of Uncertain Significance.